The following is an entry in ClinVar:

NM_001203.3(BMPR1B):c.891C>T (p.Asp297=)

Gene: BMPR1B (bone morphogenetic protein receptor type 1B; plus strand). Cytogenetic location: 4q22.3.
Variant type: single nucleotide variant.
Coding change: c.891C>T on transcript NM_001203.3 (MANE Select); coding-DNA position 891, C replaced by T.
Protein change: p.Asp297=; no amino-acid change (aspartic acid 297 retained).
Molecular consequence: synonymous variant.
Genome position (GRCh38, 1-based): chr4:95,131,327, C>T. VCF-style: chr4-95131327-C-T. GRCh37 (hg19) VCF-style: chr4-96052478-C-T.
Other names: c.891C>T, p.Asp297= (NM_001256792.2, NM_001256794.1); c.981C>T, p.Asp327= (NM_001256793.2).
Identifiers: ClinVar variation 350121 (VCV000350121.14), dbSNP rs112111860, ClinGen allele CA3015123.
Genomic context (GRCh38, chr4:95,131,327, plus strand): 5'-AATCACAGACTATCATGAAAATGGTTCCCTTTATGATTATCTGAAGTCCACCACCCTAGA[C>T]GCTAAATCAATGCTGAAGTTAGCCTACTCTTCTGTCAGTGGCTTATGTCATTTACACACA-3'
Protein context (NP_001194.1, residues 287-307): LYDYLKSTTL[Asp297=]AKSMLKLAYS

ClinVar aggregate classification (germline): Benign/Likely benign. Review status: criteria provided, multiple submitters, no conflicts (2 of 4 stars). 3 submissions from 3 submitters: Benign (2); Likely benign (1). Last evaluated 2025-06-09.

Conditions:
Brachydactyly. Also called: Brachydactyly syndrome; Brachydactyly (disease). Identifiers: MedGen C0221357, MONDO:0021004, HP:0001156.
Acromesomelic dysplasia 3 (AMD3). Also called: CHONDRODYSPLASIA, ACROMESOMELIC, WITH OR WITHOUT GENITAL ANOMALIES; Acromesomelic dysplasia, Demirhan type. Identifiers: MedGen C4225404, MONDO:0012274, OMIM 609441.
Type A2 brachydactyly (BDA2). Also called: MOHR-WRIEDT TYPE BRACHYDACTYLY; BRACHYMESOPHALANGY II; Brachymesophalangy type 2. Identifiers: Orphanet 93396, MedGen C1832702, MONDO:0007216, OMIM 112600, HP:0009372.

Allele frequency attached by ClinVar (database versions not stated): TOPMed 0.00008; 1000 Genomes Project 30x 0.00062; ExAC 0.00069; 1000 Genomes Project 0.00080; gnomAD 0.00022 and 0.00009; gnomAD exomes 0.00033 and 0.00058.
gnomAD v4.1: 527 of 1,613,934 alleles (0.033%); highest among the groups gnomAD compares: South Asian, 0.4%; 4 homozygotes.

Submissions (3):

Labcorp Genetics (formerly Invitae), Labcorp
Classification: Benign for Type A2 brachydactyly; Acromesomelic dysplasia 3. Last evaluated: 2025-06-09. Review status: criteria provided, single submitter. Criteria: Invitae Variant Classification Sherloc (09022015). Collection method: clinical testing. Allele origin: germline.

Blueprint Genetics
Classification: Likely benign. Last evaluated: 2024-06-03. Review status: criteria provided, single submitter. Criteria: ACMG Guidelines, 2015. Collection method: clinical testing. Allele origin: germline.

Illumina Laboratory Services, Illumina
Classification: Benign for Brachydactyly. Last evaluated: 2018-01-12. Review status: criteria provided, single submitter. Criteria: ICSL Variant Classification Criteria 13 December 2019. Collection method: clinical testing. Allele origin: germline.
Comment: This variant was observed in the ICSL laboratory as part of a predisposition screen in an ostensibly healthy population. It had not been previously curated by ICSL or reported in the Human Gene Mutation Database (HGMD: prior to June 1st, 2018), and was therefore a candidate for classification through an automated scoring system. Utilizing variant allele frequency, disease prevalence and penetrance estimates, and inheritance mode, an automated score was calculated to assess if this variant is too frequent to cause the disease. Based on the score and internal cut-off values, a variant classified as benign is not then subjected to further curation. The score for this variant resulted in a classification of benign for this disease.